The following is an entry in ClinVar:

NM_001042681.2(RERE):c.2963T>A (p.Leu988Gln)

Gene: RERE (arginine-glutamic acid dipeptide repeats; minus strand). Cytogenetic location: 1p36.23.
Variant type: single nucleotide variant.
Coding change: c.2963T>A on transcript NM_001042681.2 (MANE Select); coding-DNA position 2963, T replaced by A.
Protein change: p.Leu988Gln; replaces leucine 988 with glutamine.
Molecular consequence: missense variant.
Genome position (GRCh38, 1-based): chr1:8,360,544, A>T on the plus strand (T>A on the coding strand, the complement: RERE is on the minus strand). VCF-style: chr1-8360544-A-T. GRCh37 (hg19) VCF-style: chr1-8420604-A-T.
Other names: c.1301T>A, p.Leu434Gln (NM_001042682.2); c.2963T>A, p.Leu988Gln (NM_012102.4); short protein forms L434Q, L988Q.
Identifiers: ClinVar variation 2495112 (VCV002495112.4), dbSNP rs2522714137, ClinGen allele CA338171546.
Genomic context (GRCh38, chr1:8,360,544, plus strand): 5'-GTCAGCCCGGGGGGCTGGGCGGGCGAGGAGGGCAATGGCTGGCTCTGAGGCATGAGTTGC[A>T]GGGGTGGGGGGTGAGCCGACGGGGGGTGATGTGTGGACAGGGAGCTCAGGGGCTTCAGGG-3'
Protein context (NP_001036146.1, residues 978-998): HHPPSAHPPP[Leu988Gln]QLMPQSQPLP

ClinVar aggregate classification (germline): Uncertain significance. Review status: criteria provided, multiple submitters, no conflicts (2 of 4 stars). 2 submissions from 2 submitters: Uncertain significance (2). Last evaluated 2023-08-09.

Conditions:
Neurodevelopmental disorder with or without anomalies of the brain, eye, or heart (NEDBEH). Identifiers: Orphanet 494344, MedGen C5567477, MONDO:0014857, OMIM 616975.
Inborn genetic diseases. Identifiers: MedGen C0950123, MeSH D030342.

gnomAD v4.1: 4 of 628,162 alleles (0.00064%); highest among the groups gnomAD compares: South Asian, 0.0024%; no homozygotes.

Submissions (2):

Illumina Laboratory Services, Illumina
Classification: Uncertain significance for Neurodevelopmental disorder with or without anomalies of the brain, eye, or heart. Last evaluated: 2023-08-09. Review status: criteria provided, single submitter. Criteria: ICSLVariantClassificationCriteria RUGD 01 April 2020. Collection method: clinical testing. Allele origin: unknown.
Comment: The RERE c.2963T>A (p.Leu988Gln) missense variant has not, to our knowledge, been reported in the peer-reviewed literature. This variant is not observed in version 2.1.1 or version 3.1.2 of the Genome Aggregation Database. Based on the available evidence, the c.2963T>A (p.Leu988Gln) variant is classified as a variant of uncertain significance for neurodevelopmental disorder with or without anomalies of the brain, eye, or heart.

Ambry Genetics
Classification: Uncertain significance for Inborn genetic diseases. Last evaluated: 2023-04-17. Review status: criteria provided, single submitter. Criteria: Ambry Variant Classification Scheme 2023. Collection method: clinical testing. Allele origin: germline.
Comment: The c.2963T>A (p.L988Q) alteration is located in exon 19 (coding exon 17) of the RERE gene. This alteration results from a T to A substitution at nucleotide position 2963, causing the leucine (L) at amino acid position 988 to be replaced by a glutamine (Q). This variant was not reported in population-based cohorts in the Genome Aggregation Database (gnomAD). This amino acid position is highly conserved in available vertebrate species. The in silico prediction for this alteration is inconclusive. Based on insufficient or conflicting evidence, the clinical significance of this alteration remains unclear.